The following is an entry in ClinVar:

NM_001124758.3(SPNS2):c.877_888dup (p.Leu296_Lys297insGlyAspGlnLeu)

Gene: SPNS2 (SPNS lysolipid transporter 2, sphingosine-1-phosphate; plus strand). Cytogenetic location: 17p13.2.
Variant type: Duplication.
Coding change: c.877_888dup on transcript NM_001124758.3 (MANE Select); coding-DNA positions 877 to 888, 12 bases duplicated (GGGGACCAGCTC).
Protein change: p.Leu296_Lys297insGlyAspGlnLeu.
Molecular consequence: inframe insertion.
Genome position (GRCh38, 1-based): chr17:4,532,626-4,532,637, GGGGACCAGCTC duplicated; duplicating any 12 consecutive bases within chr17:4,532,617-4,532,637 gives the same sequence; the c. name uses the placement nearest the transcript's 3' end. VCF-style (leftmost placement, unchanged base first): chr17-4532616-C-CGACCAGCTCGGG. GRCh37 (hg19) VCF-style: chr17-4435911-C-CGACCAGCTCGGG.
Identifiers: ClinVar variation 4981130 (VCV004981130.1).

ClinVar aggregate classification (germline): Uncertain significance (1 of 4 stars; one submission).

Conditions:
SPNS2-related disorder. Also called: SPNS2-related condition.

Submission:

PreventionGenetics, part of Exact Sciences
Classification: Uncertain significance for SPNS2-related condition. Last evaluated: 2026-05-14. Review status: criteria provided, single submitter. Criteria: ACMG Guidelines, 2015. Collection method: clinical testing. Allele origin: germline.
Comment: The SPNS2 c.877_888dup12 variant is predicted to result in an in-frame duplication (p.Gly293_Leu296dup). To our knowledge, this variant has not been reported in the literature. This variant is reported in 0.051% of alleles in individuals of European (Non-Finnish) descent in gnomAD. Although we suspect that this variant may be benign, at this time, the clinical significance of this variant is uncertain due to the absence of conclusive functional and genetic evidence.